The following is an entry in ClinVar:

ClinVar aggregate classification (germline): Uncertain significance (1 of 4 stars; one submission).

Submission:

Labcorp Genetics (formerly Invitae), Labcorp
Classification: Uncertain significance. Last evaluated: 2024-02-19. Review status: criteria provided, single submitter. Criteria: Invitae Variant Classification Sherloc (09022015). Collection method: clinical testing. Allele origin: germline.
Comment: This variant, c.1789_1843delinsA, is a complex sequence change that results in the deletion of 19 and insertion of 1 amino acid(s) in the KRT1 protein (p.Gly597_Gly615delinsSer). This variant is not present in population databases (gnomAD no frequency). This variant has not been reported in the literature in individuals affected with KRT1-related conditions. Experimental studies and prediction algorithms are not available or were not evaluated, and the functional significance of this variant is currently unknown. In summary, the available evidence is currently insufficient to determine the role of this variant in disease. Therefore, it has been classified as a Variant of Uncertain Significance.

NM_006121.4(KRT1):c.1789_1843delinsA (p.Gly597_Gly615delinsSer)

Gene: KRT1 (keratin 1; minus strand). Cytogenetic location: 12q13.13.
Variant type: Indel.
Coding change: c.1789_1843delinsA on transcript NM_006121.4 (MANE Select); coding-DNA positions 1789 to 1843, the reference bases replaced by A.
Protein change: p.Gly597_Gly615delinsSer.
Molecular consequence: inframe indel.
Genome position (GRCh38, 1-based): chr12:52,675,285-52,675,339, 55 bases replaced. GRCh37 (hg19): chr12:53,069,069-53,069,123.
Identifiers: ClinVar variation 3642068 (VCV003642068.2).